The following is an entry in ClinVar:

ClinVar aggregate classification (germline): Uncertain significance (1 of 4 stars; one submission).

Submission:

GeneDx
Classification: Uncertain significance. Last evaluated: 2026-03-05. Review status: criteria provided, single submitter. Criteria: GeneDx Variant Classification Process June 2021. Collection method: clinical testing. Allele origin: germline.
Comment: Not observed at significant frequency in large population cohorts (gnomAD); In silico analysis supports that this missense variant has a deleterious effect on protein structure/function; Has not been previously published as pathogenic or benign to our knowledge.

NM_004370.6(COL12A1):c.9118C>T (p.Pro3040Ser)

Gene: COL12A1 (collagen type XII alpha 1 chain; minus strand). Cytogenetic location: 6q13.
Variant type: single nucleotide variant.
Coding change: c.9118C>T on transcript NM_004370.6 (MANE Select); coding-DNA position 9118, C replaced by T.
Protein change: p.Pro3040Ser; replaces proline 3040 with serine.
Molecular consequence: missense variant.
Genome position (GRCh38, 1-based): chr6:75,087,640, G>A on the plus strand (C>T on the coding strand, the complement: COL12A1 is on the minus strand). VCF-style: chr6-75087640-G-A. GRCh37 (hg19) VCF-style: chr6-75797356-G-A.
Other names: c.9118C>T, p.Pro3040Ser (NM_001424113.1); c.9097C>T, p.Pro3033Ser (NM_001424114.1); c.8845C>T, p.Pro2949Ser (NM_001424115.1); c.5626C>T, p.Pro1876Ser (NM_001424116.1, NM_080645.3); short protein forms P1876S, P2949S, P3033S, P3040S.
Identifiers: ClinVar variation 5008158 (VCV005008158.1).
Genomic context (GRCh38, chr6:75,087,640, plus strand): 5'-GATAGCCTTGCCCGTTGTATGGGATGCTGGCACACTGAGAAGAATCACAGTATCCAGGAG[G>A]ACCTGGGGGTCCTCGGATACCTGAGTTTCCAGGACGGCCAGGGGGGCCAGGGGGACCTCT-3'
Protein context (NP_004361.3, residues 3030-3050): GNSGIRGPPG[Pro3040Ser]PGYCDSSQCA